The following is an entry in ClinVar:

ClinVar aggregate classification (germline): Benign/Likely benign. Review status: criteria provided, multiple submitters, no conflicts (2 of 4 stars). 6 submissions from 6 submitters: Benign (5); Likely benign (1). Last evaluated 2026-02-04.

Conditions:
3-methylglutaconic aciduria, type VIIB (MGCA7B). Also called: CLPB Deficiency; 3-methylglutaconic aciduria with cataracts, neurologic involvement and neutropenia; 3-methylglutaconic aciduria, type VII, with cataracts, neurologic involvement and neutropenia. Identifiers: Orphanet 445038, MedGen C5676893, MONDO:0014561, OMIM 616271.

Allele frequency attached by ClinVar (database versions not stated): gnomAD exomes 0.03903 and 0.06621; ExAC 0.06727; ESP Exome Variant Server 0.09318; gnomAD 0.09375 and 0.09452; TOPMed 0.10501; 1000 Genomes Project 0.13538; 1000 Genomes Project 30x 0.13960.
gnomAD v4.1: 72,032 of 1,613,572 alleles (4.5%); highest among the groups gnomAD compares: African/African-American, 23%; 3,542 homozygotes.

Submissions (18):

Labcorp Genetics (formerly Invitae), Labcorp
Classification: Benign for 3-methylglutaconic aciduria, type VIIB. Last evaluated: 2026-02-04. Review status: criteria provided, single submitter. Criteria: Invitae Variant Classification Sherloc (09022015). Collection method: clinical testing. Allele origin: germline.

Women's Health and Genetics/Laboratory Corporation of America, LabCorp
Classification: Benign. Last evaluated: 2026-01-21. Review status: criteria provided, single submitter. Criteria: LabCorp Variant Classification Summary - May 2015. Collection method: clinical testing. Allele origin: germline.

Blueprint Genetics
Classification: Likely benign. Last evaluated: 2024-11-27. Review status: criteria provided, single submitter. Criteria: ACMG Guidelines, 2015. Collection method: clinical testing. Allele origin: germline.

Mayo Clinic Laboratories, Mayo Clinic
Classification: Benign. Last evaluated: 2022-09-06. Review status: criteria provided, single submitter. Criteria: ACMG Guidelines, 2015. Collection method: clinical testing. Allele origin: germline. Observed: 117 variant alleles.

GeneDx
Classification: Benign. Last evaluated: 2016-01-08. Review status: criteria provided, single submitter. Criteria: GeneDx Variant Classification (06012015). Collection method: clinical testing. Allele origin: germline. Affected: yes.
Comment: This variant is considered likely benign or benign based on one or more of the following criteria: it is a conservative change, it occurs at a poorly conserved position in the protein, it is predicted to be benign by multiple in silico algorithms, and/or has population frequency not consistent with disease.

Breakthrough Genomics
Classification: Benign. Review status: criteria provided, single submitter. Criteria: ACMG Guidelines, 2015. Collection method: not provided. Allele origin: germline. Inheritance: Autosomal recessive inheritance. Affected: yes.

Dr. Peter K. Rogan Lab, Western University
No classification provided (evidence only). Condition: Acute myeloid leukemia. Review status: no classification provided. Collection method: in vitro. Allele origin: not applicable. Functional consequence: retained intron. Not counted in ClinVar's aggregate classification.

Dr. Peter K. Rogan Lab, Western University
No classification provided (evidence only). Condition: Acute myeloid leukemia. Review status: no classification provided. Collection method: in vitro. Allele origin: not applicable. Functional consequence: retained intron. Not counted in ClinVar's aggregate classification.

Dr. Peter K. Rogan Lab, Western University
No classification provided (evidence only). Condition: Acute myeloid leukemia. Review status: no classification provided. Collection method: in vitro. Allele origin: not applicable. Functional consequence: retained intron. Not counted in ClinVar's aggregate classification.

Dr. Peter K. Rogan Lab, Western University
No classification provided (evidence only). Condition: Colon adenocarcinoma. Review status: no classification provided. Collection method: in vitro. Allele origin: not applicable. Functional consequence: retained intron. Not counted in ClinVar's aggregate classification.

Dr. Peter K. Rogan Lab, Western University
No classification provided (evidence only). Condition: Nonpapillary renal cell carcinoma. Review status: no classification provided. Collection method: in vitro. Allele origin: not applicable. Functional consequence: retained intron. Not counted in ClinVar's aggregate classification.

Dr. Peter K. Rogan Lab, Western University
No classification provided (evidence only). Condition: Nonpapillary renal cell carcinoma. Review status: no classification provided. Collection method: in vitro. Allele origin: not applicable. Functional consequence: retained intron. Not counted in ClinVar's aggregate classification.

Dr. Peter K. Rogan Lab, Western University
No classification provided (evidence only). Condition: Thymoma. Review status: no classification provided. Collection method: in vitro. Allele origin: not applicable. Functional consequence: retained intron. Not counted in ClinVar's aggregate classification.

Dr. Peter K. Rogan Lab, Western University
No classification provided (evidence only). Condition: Thymoma. Review status: no classification provided. Collection method: in vitro. Allele origin: not applicable. Functional consequence: retained intron. Not counted in ClinVar's aggregate classification.

Dr. Peter K. Rogan Lab, Western University
No classification provided (evidence only). Condition: Thymoma. Review status: no classification provided. Collection method: in vitro. Allele origin: not applicable. Functional consequence: retained intron. Not counted in ClinVar's aggregate classification.

Dr. Peter K. Rogan Lab, Western University
No classification provided (evidence only). Condition: Cholangiocarcinoma. Review status: no classification provided. Collection method: in vitro. Allele origin: not applicable. Functional consequence: retained intron. Not counted in ClinVar's aggregate classification.

Dr. Peter K. Rogan Lab, Western University
No classification provided (evidence only). Condition: Adrenocortical carcinoma, hereditary. Review status: no classification provided. Collection method: in vitro. Allele origin: not applicable. Functional consequence: retained intron. Not counted in ClinVar's aggregate classification.

Dr. Peter K. Rogan Lab, Western University
No classification provided (evidence only). Condition: Adrenocortical carcinoma, hereditary. Review status: no classification provided. Collection method: in vitro. Allele origin: not applicable. Functional consequence: retained intron. Not counted in ClinVar's aggregate classification.

NM_001258392.3(CLPB):c.840A>G (p.Glu280=)

Gene: CLPB (ClpB family mitochondrial disaggregase; minus strand). Cytogenetic location: 11q13.4.
Variant type: single nucleotide variant.
Coding change: c.840A>G on transcript NM_001258392.3 (MANE Select); coding-DNA position 840, A replaced by G.
Protein change: p.Glu280=; no amino-acid change (glutamic acid 280 retained).
Molecular consequence: synonymous variant.
Genome position (GRCh38, 1-based): chr11:72,329,740, T>C on the plus strand (A>G on the coding strand, the complement: CLPB is on the minus strand). VCF-style: chr11-72329740-T-C. GRCh37 (hg19) VCF-style: chr11-72040784-T-C.
Other names: p.Glu310=; c.753A>G, p.Glu251= (NM_001258393.3); c.795A>G, p.Glu265= (NM_001258394.3); c.930A>G, p.Glu310= (NM_030813.6).
Identifiers: ClinVar variation 380087 (VCV000380087.15), dbSNP rs36049191, ClinGen allele CA6171365.